The following is an entry in ClinVar:

NM_024854.5(PYROXD1):c.199G>T (p.Glu67Ter)

Gene: PYROXD1 (pyridine nucleotide-disulphide oxidoreductase domain 1; plus strand). Cytogenetic location: 12p12.1.
Variant type: single nucleotide variant.
Coding change: c.199G>T on transcript NM_024854.5 (MANE Select); coding-DNA position 199, G replaced by T.
Protein change: p.Glu67Ter; replaces glutamic acid 67 with a stop codon.
Molecular consequence: nonsense. On other transcripts: 5 prime UTR variant (2).
Genome position (GRCh38, 1-based): chr12:21,445,380, G>T. VCF-style: chr12-21445380-G-T. GRCh37 (hg19) VCF-style: chr12-21598314-G-T.
Other names: c.-15G>T (NM_001350912.2); c.-505G>T (NM_001350913.2); short protein forms E67*.
Identifiers: ClinVar variation 2804827 (VCV002804827.3), dbSNP rs2540234162, ClinGen allele CA384300593.
Genomic context (GRCh38, chr12:21,445,380, plus strand): 5'-CATTTTTAATCTCTTGGATCTATACAGATTTCTAAAATATTGGAAGAATTCGATGTTGAA[G>T]AACAATCAAGTACCATGTTAGGAAAACGCTTTCCCAACATTAAGGTTATAGAATCTGGCG-3'

ClinVar aggregate classification (germline): Pathogenic (1 of 4 stars; one submission).

Submission:

Labcorp Genetics (formerly Invitae), Labcorp
Classification: Pathogenic. Last evaluated: 2022-11-09. Review status: criteria provided, single submitter. Criteria: Invitae Variant Classification Sherloc (09022015). Collection method: clinical testing. Allele origin: germline.
Comment: This sequence change creates a premature translational stop signal (p.Glu67*) in the PYROXD1 gene. It is expected to result in an absent or disrupted protein product. Loss-of-function variants in PYROXD1 are known to be pathogenic (PMID: 27745833). This variant is not present in population databases (gnomAD no frequency). This variant has not been reported in the literature in individuals affected with PYROXD1-related conditions. For these reasons, this variant has been classified as Pathogenic.

Literature cited by the submitters: PubMed 27745833.